The following is an entry in ClinVar:

ClinVar aggregate classification (germline): Conflicting classifications of pathogenicity. Review status: criteria provided, conflicting classifications (1 of 4 stars). 8 submissions from 7 submitters: Uncertain significance (6); Likely benign (2). Last evaluated 2025-10-22.

Conditions:
Inborn genetic diseases. Identifiers: MedGen C0950123, MeSH D030342.
Leigh syndrome (NULS). Also called: Leigh Syndrome (mtDNA deletion); LEIGH SYNDROME, NUCLEAR; Leigh's necrotizing encephalopathy; Leigh's disease; Leigh's syndrome; Leigh Disease. Identifiers: Orphanet 506, MedGen C2931891, MONDO:0009723, OMIM 256000.
Mitochondrial complex IV deficiency, nuclear type 1 (MC4DN1). Also called: COX DEFICIENCY; Mitochondrial complex IV deficiency; Complex 4 mitochondrial respiratory chain deficiency; Deficiency of mitochondrial respiratory chain complex4; Complex IV deficiency. Identifiers: MedGen C5435656, MONDO:0700250, OMIM 220110. Disease mechanism: loss of function.

Allele frequency attached by ClinVar (database versions not stated): TOPMed 0.00012; ESP Exome Variant Server 0.00015; gnomAD exomes 0.00015; 1000 Genomes Project 30x 0.00016; gnomAD 0.00016 and 0.00017; 1000 Genomes Project 0.00020; ExAC 0.00020.
gnomAD v4.1: 389 of 1,613,572 alleles (0.024%); highest among the groups gnomAD compares: Non-Finnish European, 0.03%; no homozygotes.

Submissions (8):

Ambry Genetics
Classification: Uncertain significance for Inborn genetic diseases. Last evaluated: 2025-10-22. Review status: criteria provided, single submitter. Criteria: Ambry Variant Classification Scheme 2023. Collection method: clinical testing. Allele origin: germline.
Comment: The c.624+4A>G intronic alteration consists of a A to G substitution nucleotides after coding exon 4 in the COX10 gene. Based on data from gnomAD, the G allele has an overall frequency of 0.017% (47/282554) total alleles studied. The highest observed frequency was 0.03% (38/128916) of European (non-Finnish) alleles. Based on insufficient or conflicting evidence, the clinical significance of this alteration remains unclear.

Labcorp Genetics (formerly Invitae), Labcorp
Classification: Uncertain significance. Last evaluated: 2024-10-24. Review status: criteria provided, single submitter. Criteria: Invitae Variant Classification Sherloc (09022015). Collection method: clinical testing. Allele origin: germline.
Comment: This sequence change falls in intron 4 of the COX10 gene. It does not directly change the encoded amino acid sequence of the COX10 protein. It affects a nucleotide within the consensus splice site. This variant is present in population databases (rs199668725, gnomAD 0.03%). This variant has not been reported in the literature in individuals affected with COX10-related conditions. ClinVar contains an entry for this variant (Variation ID: 321815). Variants that disrupt the consensus splice site are a relatively common cause of aberrant splicing (PMID: 17576681, 9536098). Algorithms developed to predict the effect of sequence changes on RNA splicing suggest that this variant is not likely to affect RNA splicing. In summary, the available evidence is currently insufficient to determine the role of this variant in disease. Therefore, it has been classified as a Variant of Uncertain Significance.

CeGaT Center for Human Genetics Tuebingen
Classification: Likely benign. Last evaluated: 2022-07-01. Review status: criteria provided, single submitter. Criteria: CeGaT Center For Human Genetics Tuebingen Variant Classification Criteria Version 2. Collection method: clinical testing. Allele origin: germline. Affected: yes. Observed: 2 variant alleles.
Comment: COX10: BP4, BS2

Greenwood Genetic Center Diagnostic Laboratories, Greenwood Genetic Center
Classification: Uncertain significance. Last evaluated: 2020-09-15. Review status: criteria provided, single submitter. Criteria: ACMG Guidelines, 2015. Collection method: clinical testing. Allele origin: germline. Affected: yes.

Baylor Genetics
Classification: Uncertain significance for Leigh syndrome. Last evaluated: 2019-02-14. Review status: criteria provided, single submitter. Criteria: ACMG Guidelines, 2015. Collection method: clinical testing. Allele origin: maternal. Affected: yes.
Comment: This variant was determined to be of uncertain significance according to ACMG Guidelines, 2015 [PMID:25741868].

GeneDx
Classification: Likely benign. Last evaluated: 2018-05-11. Review status: criteria provided, single submitter. Criteria: GeneDx Variant Classification (06012015). Collection method: clinical testing. Allele origin: germline. Affected: yes.
Comment: This variant is considered likely benign or benign based on one or more of the following criteria: it is a conservative change, it occurs at a poorly conserved position in the protein, it is predicted to be benign by multiple in silico algorithms, and/or has population frequency not consistent with disease.

Illumina Laboratory Services, Illumina
Classification: Uncertain significance for Leigh syndrome. Last evaluated: 2018-01-13. Review status: criteria provided, single submitter. Criteria: ICSL Variant Classification Criteria 13 December 2019. Collection method: clinical testing. Allele origin: germline.

Illumina Laboratory Services, Illumina
Classification: Uncertain significance for Mitochondrial complex IV deficiency, nuclear type 1. Last evaluated: 2018-01-13. Review status: criteria provided, single submitter. Criteria: ICSL Variant Classification Criteria 13 December 2019. Collection method: clinical testing. Allele origin: germline.

Literature cited by the submitters: PubMed 17576681 (cited by Labcorp Genetics (formerly Invitae), Labcorp); PubMed 9536098 (cited by Labcorp Genetics (formerly Invitae), Labcorp).

NM_001303.4(COX10):c.624+4A>G

Gene: COX10 (cytochrome c oxidase assembly factor heme A:farnesyltransferase COX10; plus strand). Cytogenetic location: 17p12.
Variant type: single nucleotide variant.
Coding change: c.624+4A>G on transcript NM_001303.4 (MANE Select); 4 bases into the intron after coding-DNA position 624, A replaced by G.
Molecular consequence: intron variant.
Genome position (GRCh38, 1-based): chr17:14,102,246, A>G. VCF-style: chr17-14102246-A-G. GRCh37 (hg19) VCF-style: chr17-14005563-A-G.
Identifiers: ClinVar variation 321815 (VCV000321815.50), dbSNP rs199668725, ClinGen allele CA8402373.
Genomic context (GRCh38, chr17:14,102,246, plus strand): 5'-CTGCTTACTTCTGTTGGGACAGGCCTTGCATCCTGTGCTGCCAACTCCATCAATCAGGTC[A>G]GTTTCTCACTTTCATCTAAATTATGTTATTGTCACTTTTTCCTAGATGGCTGTATTGTCA-3'